The following is an entry in ClinVar:

ClinVar aggregate classification (germline): Benign (1 of 4 stars; one submission).

Conditions:
Ataxia-telangiectasia-like disorder 1 (ATLD1). Identifiers: Orphanet 251347, MedGen C4012790, MONDO:0024557, OMIM 604391.

Allele frequency attached by ClinVar (database versions not stated): gnomAD exomes 0.00157; gnomAD 0.00587 and 0.00620; TOPMed 0.00676; 1000 Genomes Project 0.00779; 1000 Genomes Project 30x 0.00812.
gnomAD v4.1: 1,027 of 233,098 alleles (0.44%); highest among the groups gnomAD compares: African/African-American, 1.9%; 15 homozygotes.

Submission:

Illumina Laboratory Services, Illumina
Classification: Benign for Ataxia-telangiectasia-like disorder 1. Last evaluated: 2017-09-27. Review status: criteria provided, single submitter. Criteria: ICSL Variant Classification Criteria 13 December 2019. Collection method: clinical testing. Allele origin: germline.
Comment: This variant was observed as part of a predisposition screen in an ostensibly healthy population. A literature search was performed for the gene, cDNA change, and amino acid change (where applicable). No publications were found based on this search. Allele frequency data from public databases was too high to be consistent with this variant causing disease. Therefore, this variant is classified as benign.

NM_005591.4(MRE11):c.*2466T>C

Gene: MRE11 (MRE11 homolog, double strand break repair nuclease; minus strand). Cytogenetic location: 11q21.
Variant type: single nucleotide variant.
Coding change: c.*2466T>C on transcript NM_005591.4 (MANE Select); 2466 bases downstream of the stop codon, T replaced by C.
Molecular consequence: 3 prime UTR variant.
Genome position (GRCh38, 1-based): chr11:94,417,659, A>G on the plus strand (T>C on the coding strand, the complement: MRE11 is on the minus strand). VCF-style: chr11-94417659-A-G. GRCh37 (hg19) VCF-style: chr11-94150825-A-G.
Other names: c.*2466T>C (NM_001330347.2, NM_005590.4).
Identifiers: ClinVar variation 883390 (VCV000883390.4), dbSNP rs13447758, ClinGen allele CA226536602.
Genomic context (GRCh38, chr11:94,417,659, plus strand): 5'-GCTTTTAAATTACAGAAGTTAGGGCTTGTTACCCAGAAAGGAGAAAACAATATAATGGGC[A>G]TCCAGGACACTGCGCTATTTCTTGACCTGTAGAGGGATTCCATCAGTGCTCAATTTATAA-3'